The following is an entry in ClinVar:

ClinVar aggregate classification (germline): Uncertain significance. Review status: criteria provided, multiple submitters, no conflicts (2 of 4 stars). 3 submissions from 3 submitters: Uncertain significance (3). Last evaluated 2026-09-06.

Conditions:
Early-infantile DEE. Also called: Early infantile epileptic encephalopathy; Ohtahara syndrome; Early infantile epileptic encephalopathy with suppression bursts. Identifiers: Orphanet 1934, MedGen C0393706, MONDO:0800491.
Inborn genetic diseases. Identifiers: MedGen C0950123, MeSH D030342.

Allele frequency attached by ClinVar (database versions not stated): gnomAD exomes below 0.00001; gnomAD 0.00001; TOPMed 0.00001.
gnomAD v4.1: 5 of 1,608,356 alleles (0.00031%); highest among the groups gnomAD compares: South Asian, 0.0022%; no homozygotes.

Submissions (9):

GeneDx
Classification: Uncertain significance. Last evaluated: 2026-09-06. Review status: criteria provided, single submitter. Criteria: GeneDx Variant Classification Process June 2021. Collection method: clinical testing. Allele origin: germline.
Comment: Published functional studies demonstrate a partial reduction in channel function compared to wild-type (PMID: 35104249); This substitution is predicted to be within the C-terminal cytoplasmic domain; In silico analysis supports that this missense variant has a deleterious effect on protein structure/function; This variant is associated with the following publications: (PMID: 35104249)

Labcorp Genetics (formerly Invitae), Labcorp
Classification: Uncertain significance for Early-infantile DEE. Last evaluated: 2026-01-11. Review status: criteria provided, single submitter. Criteria: Invitae Variant Classification Sherloc (09022015). Collection method: clinical testing. Allele origin: germline.
Comment: This sequence change replaces arginine, which is basic and polar, with cysteine, which is neutral and slightly polar, at codon 604 of the KCNQ2 protein (p.Arg604Cys). This variant is present in population databases (no rsID available, gnomAD 0.007%). This variant has not been reported in the literature in individuals affected with KCNQ2-related conditions. ClinVar contains an entry for this variant (Variation ID: 205923). Invitae Evidence Modeling of protein sequence and biophysical properties (such as structural, functional, and spatial information, amino acid conservation, physicochemical variation, residue mobility, and thermodynamic stability) indicates that this missense variant is expected to disrupt KCNQ2 protein function with a positive predictive value of 95%. Experimental studies have shown that this missense change does not substantially affect KCNQ2 function (PMID: 35104249). In summary, the available evidence is currently insufficient to determine the role of this variant in disease. Therefore, it has been classified as a Variant of Uncertain Significance.

Ambry Genetics
Classification: Uncertain significance for Inborn genetic diseases. Last evaluated: 2018-05-03. Review status: criteria provided, single submitter. Criteria: Ambry Variant Classification Scheme 2023. Collection method: clinical testing. Allele origin: germline.
Comment: The p.R604C variant (also known as c.1810C>T), located in coding exon 16 of the KCNQ2 gene, results from a C to T substitution at nucleotide position 1810. The arginine at codon 604 is replaced by cysteine, an amino acid with highly dissimilar properties. This amino acid position is highly conserved in available vertebrate species. In addition, this alteration is predicted to be deleterious by in silico analysis. Since supporting evidence is limited at this time, the clinical significance of this alteration remains unclear.

Channelopathy-Associated Epilepsy Research Center
No classification provided (evidence only). Condition: Complex neurodevelopmental disorder. Review status: no classification provided. Collection method: literature only. Allele origin: not applicable. Functional consequence: Moderate decrease in peak current, Severe slowing of activation, Normal voltage dependence of activation. Not counted in ClinVar's aggregate classification.
ClinVar note: "not provided" was previously submitted as the classification for the variant. However, the classification appeared to be based only on an observation of functional data so it was converted to no classification on 2025-07-30.

Channelopathy-Associated Epilepsy Research Center
No classification provided (evidence only). Review status: no classification provided. Collection method: in vitro. Allele origin: not applicable. Functional consequence: Normal peak current. Not counted in ClinVar's aggregate classification.

Channelopathy-Associated Epilepsy Research Center
No classification provided (evidence only). Review status: no classification provided. Collection method: in vitro. Allele origin: not applicable. Functional consequence: Normal peak current. Not counted in ClinVar's aggregate classification.

Channelopathy-Associated Epilepsy Research Center
No classification provided (evidence only). Review status: no classification provided. Collection method: in vitro. Allele origin: not applicable. Functional consequence: Normal voltage dependence of activation. Not counted in ClinVar's aggregate classification.

Channelopathy-Associated Epilepsy Research Center
No classification provided (evidence only). Review status: no classification provided. Collection method: in vitro. Allele origin: not applicable. Functional consequence: Normal slope of activation. Not counted in ClinVar's aggregate classification.

Channelopathy-Associated Epilepsy Research Center
No classification provided (evidence only). Review status: no classification provided. Collection method: in vitro. Allele origin: not applicable. Functional consequence: Normal rate of activation. Not counted in ClinVar's aggregate classification.

Literature cited by the submitters: PubMed 35104249 (cited by Labcorp Genetics (formerly Invitae), Labcorp and Channelopathy-Associated Epilepsy Research Center).

NM_172107.4(KCNQ2):c.1810C>T (p.Arg604Cys)

Gene: KCNQ2 (potassium voltage-gated channel subfamily Q member 2; minus strand). Cytogenetic location: 20q13.33.
Variant type: single nucleotide variant.
Coding change: c.1810C>T on transcript NM_172107.4 (MANE Select); coding-DNA position 1810, C replaced by T.
Protein change: p.Arg604Cys; replaces arginine 604 with cysteine.
Molecular consequence: missense variant.
Genome position (GRCh38, 1-based): chr20:63,408,490, G>A on the plus strand (C>T on the coding strand, the complement: KCNQ2 is on the minus strand). VCF-style: chr20-63408490-G-A. GRCh37 (hg19) VCF-style: chr20-62039843-G-A.
Other names: p.R604C:CGC>TGC; c.1726C>T, p.Arg576Cys (NM_004518.6); c.1756C>T, p.Arg586Cys (NM_172106.3); c.1717C>T, p.Arg573Cys (NM_172108.5); short protein forms R604C, R586C, R573C, R576C.
Identifiers: ClinVar variation 205923 (VCV000205923.18), dbSNP rs780942181, ClinGen allele CA315501.